The following is an entry in ClinVar:

ClinVar aggregate classification (germline): Uncertain significance (1 of 4 stars; one submission).

Submission:

GeneDx
Classification: Uncertain significance. Last evaluated: 2022-10-19. Review status: criteria provided, single submitter. Criteria: GeneDx Variant Classification Process June 2021. Collection method: clinical testing. Allele origin: germline. Affected: yes.
Comment: Not observed at significant frequency in large population cohorts (gnomAD); In silico analysis supports that this missense variant does not alter protein structure/function; Has not been previously published as pathogenic or benign to our knowledge

NM_006922.4(SCN3A):c.1451G>C (p.Ser484Thr)

Gene: SCN3A (sodium voltage-gated channel alpha subunit 3; minus strand). Cytogenetic location: 2q24.3.
Variant type: single nucleotide variant.
Coding change: c.1451G>C on transcript NM_006922.4 (MANE Select); coding-DNA position 1451, G replaced by C.
Protein change: p.Ser484Thr; replaces serine 484 with threonine.
Molecular consequence: missense variant.
Genome position (GRCh38, 1-based): chr2:165,146,959, C>G on the plus strand (G>C on the coding strand, the complement: SCN3A is on the minus strand). VCF-style: chr2-165146959-C-G. GRCh37 (hg19) VCF-style: chr2-166003469-C-G.
Other names: c.1451G>C, p.Ser484Thr (NM_001081676.2, NM_001081677.2); short protein forms S484T.
Identifiers: ClinVar variation 2499968 (VCV002499968.1), dbSNP rs2468363959, ClinGen allele CA349236736.
Genomic context (GRCh38, chr2:165,146,959, plus strand): 5'-TTCCTTCGGTTCCTCCATTCTTTAGCACTTTTGGAACTCAACTTTGATGCTTCTGAAGAA[C>G]TTTCCAACAGCTCTCCTAACCCACCTATTCCACTGAAATCTCTTGAAGCAGCTGATGCTG-3'
Protein context (NP_008853.3, residues 474-494): GIGGLGELLE[Ser484Thr]SSEASKLSSK